The following is an entry in ClinVar:

NM_000245.4(MET):c.2494G>C (p.Asp832His)

Gene: MET (MET proto-oncogene, receptor tyrosine kinase; plus strand). Cytogenetic location: 7q31.2.
Variant type: single nucleotide variant.
Coding change: c.2494G>C on transcript NM_000245.4 (MANE Select); coding-DNA position 2494, G replaced by C.
Protein change: p.Asp832His; replaces aspartic acid 832 with histidine.
Molecular consequence: missense variant.
Genome position (GRCh38, 1-based): chr7:116,763,179, G>C. VCF-style: chr7-116763179-G-C. GRCh37 (hg19) VCF-style: chr7-116403233-G-C.
Other names: c.2548G>C, p.Asp850His (NM_001127500.3); c.2494G>C, p.Asp832His (NM_001324401.3); c.1204G>C, p.Asp402His (NM_001324402.2); short protein forms D832H, D850H, D402H.
Identifiers: ClinVar variation 3294325 (VCV003294325.1).

ClinVar aggregate classification (germline): Uncertain significance (1 of 4 stars; one submission).

Conditions:
Hereditary cancer-predisposing syndrome. Also called: Tumor predisposition; Hereditary Cancer Syndrome; Hereditary neoplastic syndrome; Neoplastic Syndromes, Hereditary. Identifiers: Orphanet 140162, MedGen C0027672, MeSH D009386, MONDO:0015356.

gnomAD v4.1: 3 of 1,613,950 alleles (0.00019%); highest among the groups gnomAD compares: Non-Finnish European, 0.00025%; no homozygotes.

Submission:

Ambry Genetics
Classification: Uncertain significance for Hereditary cancer-predisposing syndrome. Last evaluated: 2024-03-23. Review status: criteria provided, single submitter. Criteria: Ambry Variant Classification Scheme 2023. Collection method: clinical testing. Allele origin: germline.
Comment: The p.D850H variant (also known as c.2548G>C), located in coding exon 10 of the MET gene, results from a G to C substitution at nucleotide position 2548. The aspartic acid at codon 850 is replaced by histidine, an amino acid with similar properties. This amino acid position is conserved. In addition, the in silico prediction for this alteration is inconclusive. Based on the available evidence, the clinical significance of this alteration remains unclear.